The following is an entry in ClinVar:

ClinVar aggregate classification (germline): Uncertain significance (1 of 4 stars; one submission).

Conditions:
Epidermodysplasia verruciformis. Identifiers: Orphanet 302, MedGen C0014522, MONDO:0009176.

Allele frequency attached by ClinVar (database versions not stated): gnomAD exomes 0.00001; ExAC 0.00006.
gnomAD v4.1: 9 of 1,590,220 alleles (0.00057%); highest among the groups gnomAD compares: Non-Finnish European, 0.00077%; no homozygotes.

Submission:

Labcorp Genetics (formerly Invitae), Labcorp
Classification: Uncertain significance for Epidermodysplasia verruciformis. Last evaluated: 2022-05-31. Review status: criteria provided, single submitter. Criteria: Invitae Variant Classification Sherloc (09022015). Collection method: clinical testing. Allele origin: germline.
Comment: This sequence change replaces aspartic acid, which is acidic and polar, with glycine, which is neutral and non-polar, at codon 162 of the TMC6 protein (p.Asp162Gly). The frequency data for this variant in the population databases is considered unreliable, as metrics indicate poor data quality at this position in the gnomAD database. This variant has not been reported in the literature in individuals affected with TMC6-related conditions. Algorithms developed to predict the effect of missense changes on protein structure and function output the following: SIFT: "Not Available"; PolyPhen-2: "Benign"; Align-GVGD: "Not Available". The glycine amino acid residue is found in multiple mammalian species, which suggests that this missense change does not adversely affect protein function. In summary, the available evidence is currently insufficient to determine the role of this variant in disease. Therefore, it has been classified as a Variant of Uncertain Significance.

NM_001127198.5(TMC6):c.485A>G (p.Asp162Gly)

Gene: TMC6 (transmembrane channel like 6; minus strand). Cytogenetic location: 17q25.3.
Variant type: single nucleotide variant.
Coding change: c.485A>G on transcript NM_001127198.5 (MANE Select); coding-DNA position 485, A replaced by G.
Protein change: p.Asp162Gly; replaces aspartic acid 162 with glycine.
Molecular consequence: missense variant. On other transcripts: non-coding transcript variant (4).
Genome position (GRCh38, 1-based): chr17:78,125,209, T>C on the plus strand (A>G on the coding strand, the complement: TMC6 is on the minus strand). VCF-style: chr17-78125209-T-C. GRCh37 (hg19) VCF-style: chr17-76121290-T-C.
Other names: c.485A>G, p.Asp162Gly (NM_001321185.1, NM_001374593.1, NM_001374594.1 and 4 more transcripts); short protein forms D162G.
Identifiers: ClinVar variation 1998087 (VCV001998087.4), dbSNP rs773599642, ClinGen allele CA8796110.